The following is an entry in ClinVar:

ClinVar aggregate classification (germline): Likely benign. Review status: criteria provided, multiple submitters, no conflicts (2 of 4 stars). 4 submissions from 4 submitters: Likely benign (4). Last evaluated 2026-05-18.

Conditions:
Epidermolysis bullosa simplex with nail dystrophy (EBS5D). Identifiers: MedGen C4225309, MONDO:0014661, OMIM 616487.
Autosomal recessive limb-girdle muscular dystrophy type 2Q (LGMDR17). Also called: MUSCULAR DYSTROPHY, LIMB-GIRDLE, AUTOSOMAL RECESSIVE 17. Identifiers: Orphanet 254361, MedGen C3150989, MONDO:0013390, OMIM 613723.
Epidermolysis bullosa simplex, Ogna type (EBS5A). Also called: Pidermolysis bullosa simplex 5A, Ogna type; EPIDERMOLYSIS BULLOSA SIMPLEX 5A, OGNA TYPE. Identifiers: Orphanet 79401, MedGen C0432317, MONDO:0007555, OMIM 131950.
Epidermolysis bullosa simplex 5B, with muscular dystrophy (EBS5B). Also called: Epidermolysis bullosa simplex with muscular dystrophy; EPIDERMOLYSIS BULLOSA SIMPLEX AND LIMB-GIRDLE MUSCULAR DYSTROPHY. Identifiers: Orphanet 257, MedGen C2931072, MONDO:0009181, OMIM 226670.
Epidermolysis bullosa simplex 5C, with pyloric atresia (EBS5C). Also called: PLEC-Related Epidermolysis Bullosa with Pyloric Atresia; Epidermolysis bullosa simplex with pyloric atresia; PLEC1-Related Epidermolysis Bullosa with Pyloric Atresia. Identifiers: Orphanet 158684, MedGen C2677349, MONDO:0012807, OMIM 612138.
PLEC-related disorder. Also called: PLEC-related disorders; PLEC-related condition.

Allele frequency attached by ClinVar (database versions not stated): ExAC 0.00003; gnomAD exomes 0.00003 and 0.00005; gnomAD 0.00006 and 0.00008; ESP Exome Variant Server 0.00008; TOPMed 0.00011.
gnomAD v4.1: 62 of 1,610,814 alleles (0.0038%); highest among the groups gnomAD compares: Middle Eastern, 0.033%; 1 homozygote.

Submissions (4):

PreventionGenetics, part of Exact Sciences
Classification: Likely benign for PLEC-related condition. Last evaluated: 2026-05-18. Review status: criteria provided, single submitter. Criteria: ACMG Guidelines, 2015. Collection method: clinical testing. Allele origin: germline.
Comment: This variant is classified as likely benign based on ACMG/AMP sequence variant interpretation guidelines (Richards et al. 2015 PMID: 25741868, with internal and published modifications).

Labcorp Genetics (formerly Invitae), Labcorp
Classification: Likely benign for Autosomal recessive limb-girdle muscular dystrophy type 2Q; Epidermolysis bullosa simplex, Ogna type; Epidermolysis bullosa simplex with nail dystrophy; Epidermolysis bullosa simplex 5C, with pyloric atresia; Epidermolysis bullosa simplex 5B, with muscular dystrophy. Last evaluated: 2025-11-19. Review status: criteria provided, single submitter. Criteria: Invitae Variant Classification Sherloc (09022015). Collection method: clinical testing. Allele origin: germline.

CeGaT Center for Human Genetics Tuebingen
Classification: Likely benign. Last evaluated: 2025-10-01. Review status: criteria provided, single submitter. Criteria: CeGaT Center For Human Genetics Tuebingen Variant Classification Criteria Version 2. Collection method: clinical testing. Allele origin: germline. Affected: yes. Observed: 1 variant allele.
Comment: PLEC: BP4, BP7

GeneDx
Classification: Likely benign. Last evaluated: 2017-01-04. Review status: criteria provided, single submitter. Criteria: GeneDx Variant Classification (06012015). Collection method: clinical testing. Allele origin: germline. Affected: yes.
Comment: This variant is considered likely benign or benign based on one or more of the following criteria: it is a conservative change, it occurs at a poorly conserved position in the protein, it is predicted to be benign by multiple in silico algorithms, and/or has population frequency not consistent with disease.

NM_201384.3(PLEC):c.1803C>T (p.Tyr601=)

Gene: PLEC (plectin; minus strand). Cytogenetic location: 8q24.3.
Variant type: single nucleotide variant.
Coding change: c.1803C>T on transcript NM_201384.3 (MANE Select); coding-DNA position 1803, C replaced by T.
Protein change: p.Tyr601=; no amino-acid change (tyrosine 601 retained).
Molecular consequence: synonymous variant.
Genome position (GRCh38, 1-based): chr8:143,932,647, G>A on the plus strand (C>T on the coding strand, the complement: PLEC is on the minus strand). VCF-style: chr8-143932647-G-A. GRCh37 (hg19) VCF-style: chr8-145006815-G-A.
Other names: c.1884C>T, p.Tyr628= (NM_000445.5); c.1761C>T, p.Tyr587= (NM_201378.4); c.1737C>T, p.Tyr579= (NM_201379.3); c.2214C>T, p.Tyr738= (NM_201380.4); c.1707C>T, p.Tyr569= (NM_201381.3); c.1803C>T, p.Tyr601= (NM_201382.4); c.1815C>T, p.Tyr605= (NM_201383.3); c.1884C>T (NM_000445.4).
Identifiers: ClinVar variation 392276 (VCV000392276.15), dbSNP rs374078214, ClinGen allele CA4927854.